The following is an entry in ClinVar:

NM_003742.4(ABCB11):c.42A>G (p.Gly14=)

Gene: ABCB11 (ATP binding cassette subfamily B member 11; minus strand). Cytogenetic location: 2q31.1.
Variant type: single nucleotide variant.
Coding change: c.42A>G on transcript NM_003742.4 (MANE Select); coding-DNA position 42, A replaced by G.
Protein change: p.Gly14=; no amino-acid change (glycine 14 retained).
Molecular consequence: synonymous variant.
Genome position (GRCh38, 1-based): chr2:169,018,084, T>C on the plus strand (A>G on the coding strand, the complement: ABCB11 is on the minus strand). VCF-style: chr2-169018084-T-C. GRCh37 (hg19) VCF-style: chr2-169874594-T-C.
Identifiers: ClinVar variation 3030002 (VCV003030002.4), dbSNP rs2545494162, ClinGen allele CA429913665.

ClinVar aggregate classification (germline): Likely benign. Review status: criteria provided, single submitter (1 of 4 stars). 2 submissions from 2 submitters: Likely benign (1). 1 of the submissions does not count toward it. Last evaluated 2024-06-17.

Conditions:
ABCB11-related disorder. Also called: ABCB11-related condition.

Submissions (2):

Labcorp Genetics (formerly Invitae), Labcorp
Classification: Likely benign. Last evaluated: 2024-06-17. Review status: criteria provided, single submitter. Criteria: Invitae Variant Classification Sherloc (09022015). Collection method: clinical testing. Allele origin: germline.

PreventionGenetics, part of Exact Sciences
Classification: Likely benign for ABCB11-related condition. Last evaluated: 2023-11-21. Review status: no assertion criteria provided. Collection method: clinical testing. Allele origin: germline. Not counted in ClinVar's aggregate classification.
Comment: This variant is classified as likely benign based on ACMG/AMP sequence variant interpretation guidelines (Richards et al. 2015 PMID: 25741868, with internal and published modifications).